The following is an entry in ClinVar:

ClinVar aggregate classification (germline): Likely pathogenic (1 of 4 stars; one submission).

Conditions:
Deficiency of malonyl-CoA decarboxylase. Also called: Malonic aciduria; MCD deficiency. Identifiers: Orphanet 943, MedGen C0342793, MONDO:0009556, OMIM 248360.

Submission:

Juno Genomics, Hangzhou Juno Genomics, Inc
Classification: Likely pathogenic for Deficiency of malonyl-CoA decarboxylase. Review status: criteria provided, single submitter. Criteria: ACMG Guidelines, 2015. Collection method: clinical testing. Allele origin: germline.
Comment: Null variant in a gene where loss of function (LOF) is a known mechanism of disease.;Absent from controls (or at extremely low frequency if recessive) in Genome Aggregation Database.

NM_012213.3(MLYCD):c.529-2A>G

Gene: MLYCD (malonyl-CoA decarboxylase; plus strand). Cytogenetic location: 16q23.3.
Variant type: single nucleotide variant.
Coding change: c.529-2A>G on transcript NM_012213.3 (MANE Select); the canonical splice acceptor site of the intron before coding-DNA position 529, A replaced by G.
Molecular consequence: splice acceptor variant.
Genome position (GRCh38, 1-based): chr16:83,906,985, A>G. VCF-style: chr16-83906985-A-G. GRCh37 (hg19) VCF-style: chr16-83940590-A-G.
Identifiers: ClinVar variation 5005643 (VCV005005643.2).